The following is an entry in ClinVar:

ClinVar aggregate classification (germline): Conflicting classifications of pathogenicity. Review status: criteria provided, conflicting classifications (1 of 4 stars). 5 submissions from 5 submitters: Uncertain significance (1); Likely benign (3). 1 of the submissions does not count toward it. Last evaluated 2025-11-20.

Conditions:
Dilated cardiomyopathy 1G (CMD1G). Identifiers: Orphanet 154, MedGen C1858763, MONDO:0011400, OMIM 604145.
Autosomal recessive limb-girdle muscular dystrophy type 2J (LGMDR10). Also called: Limb-girdle muscular dystrophy, type 2J; MUSCULAR DYSTROPHY, LIMB-GIRDLE, AUTOSOMAL RECESSIVE 10. Identifiers: Orphanet 140922, MedGen C1837342, MONDO:0012127, OMIM 608807.
TTN-related disorder. Also called: TTN-related condition; TTN-related disease; TTN-related disorders.
Cardiovascular phenotype. Identifiers: MedGen CN230736.

Allele frequency attached by ClinVar (database versions not stated): gnomAD 0.00001; gnomAD exomes 0.00001 and 0.00003; ExAC 0.00002; TOPMed 0.00003.
gnomAD v4.1: 45 of 1,612,446 alleles (0.0028%); highest among the groups gnomAD compares: Non-Finnish European, 0.0035%; no homozygotes.

Submissions (5):

Labcorp Genetics (formerly Invitae), Labcorp
Classification: Likely benign for Dilated cardiomyopathy 1G; Autosomal recessive limb-girdle muscular dystrophy type 2J. Last evaluated: 2025-11-20. Review status: criteria provided, single submitter. Criteria: Invitae Variant Classification Sherloc (09022015). Collection method: clinical testing. Allele origin: germline.

CeGaT Center for Human Genetics Tuebingen
Classification: Likely benign. Last evaluated: 2025-05-01. Review status: criteria provided, single submitter. Criteria: CeGaT Center For Human Genetics Tuebingen Variant Classification Criteria Version 2. Collection method: clinical testing. Allele origin: germline. Affected: yes. Observed: 1 variant allele.
Comment: TTN: BP4, BP7

Ambry Genetics
Classification: Likely benign for Cardiovascular phenotype. Last evaluated: 2021-04-19. Review status: criteria provided, single submitter. Criteria: Ambry Variant Classification Scheme 2023. Collection method: clinical testing. Allele origin: germline.

Eurofins Ntd Llc (ga)
Classification: Uncertain significance. Last evaluated: 2017-02-03. Review status: criteria provided, single submitter. Criteria: EGL Classification Definitions 2015. Collection method: clinical testing. Allele origin: germline. Observed: 2 variant alleles, 2 heterozygotes.

PreventionGenetics, part of Exact Sciences
Classification: Likely benign for TTN-related condition. Last evaluated: 2024-07-09. Review status: no assertion criteria provided. Collection method: clinical testing. Allele origin: germline. Not counted in ClinVar's aggregate classification.
Comment: This variant is classified as likely benign based on ACMG/AMP sequence variant interpretation guidelines (Richards et al. 2015 PMID: 25741868, with internal and published modifications).

NM_001267550.2(TTN):c.51099C>T (p.Leu17033=)

Genes: TTN (titin; minus strand), TTN-AS1 (TTN antisense RNA 1; plus strand). Cytogenetic location: 2q31.2.
Variant type: single nucleotide variant.
Coding change: c.51099C>T on transcript NM_001267550.2 (MANE Select); coding-DNA position 51099, C replaced by T.
Protein change: p.Leu17033=; no amino-acid change (leucine 17033 retained).
Molecular consequence: synonymous variant.
Genome position (GRCh38, 1-based): chr2:178,611,030, G>A on the plus strand (C>T on the coding strand, the complement: TTN is on the minus strand). VCF-style: chr2-178611030-G-A. GRCh37 (hg19) VCF-style: chr2-179475757-G-A.
Other names: c.46176C>T, p.Leu15392= (NM_001256850.1); c.23904C>T, p.Leu7968= (NM_003319.4); c.43395C>T, p.Leu14465= (NM_133378.4); c.24279C>T, p.Leu8093= (NM_133432.3); c.24480C>T, p.Leu8160= (NM_133437.4).
Identifiers: ClinVar variation 500307 (VCV000500307.26), dbSNP rs755994820, ClinGen allele CA1994251.